The following is an entry in ClinVar:

ClinVar aggregate classification (germline): Uncertain significance. Review status: criteria provided, multiple submitters, no conflicts (2 of 4 stars). 2 submissions from 2 submitters: Uncertain significance (2). Last evaluated 2024-09-10.

Conditions:
Inborn genetic diseases. Identifiers: MedGen C0950123, MeSH D030342.

Allele frequency attached by ClinVar (database versions not stated): gnomAD 0.00001; gnomAD exomes 0.00006; ExAC 0.00046.
gnomAD v4.1: 81 of 1,551,342 alleles (0.0052%); highest among the groups gnomAD compares: South Asian, 0.096%; 1 homozygote.

Submissions (2):

Ambry Genetics
Classification: Uncertain significance for Inborn genetic diseases. Last evaluated: 2024-09-10. Review status: criteria provided, single submitter. Criteria: Ambry Variant Classification Scheme 2023. Collection method: clinical testing. Allele origin: germline.

Labcorp Genetics (formerly Invitae), Labcorp
Classification: Uncertain significance. Last evaluated: 2022-04-21. Review status: criteria provided, single submitter. Criteria: Invitae Variant Classification Sherloc (09022015). Collection method: clinical testing. Allele origin: germline.
Comment: This sequence change replaces glycine, which is neutral and non-polar, with serine, which is neutral and polar, at codon 3135 of the UNC80 protein (p.Gly3135Ser). This variant is present in population databases (rs779647138, gnomAD 0.1%). This variant has not been reported in the literature in individuals affected with UNC80-related conditions. Algorithms developed to predict the effect of missense changes on protein structure and function output the following: SIFT: "Not Available"; PolyPhen-2: "Benign"; Align-GVGD: "Not Available". The serine amino acid residue is found in multiple mammalian species, which suggests that this missense change does not adversely affect protein function. In summary, the available evidence is currently insufficient to determine the role of this variant in disease. Therefore, it has been classified as a Variant of Uncertain Significance.

NM_001371986.1(UNC80):c.9601G>A (p.Gly3201Ser)

Gene: UNC80 (unc-80 homolog, NALCN channel complex subunit; plus strand). Cytogenetic location: 2q34.
Variant type: single nucleotide variant.
Coding change: c.9601G>A on transcript NM_001371986.1 (MANE Select); coding-DNA position 9601, G replaced by A.
Protein change: p.Gly3201Ser; replaces glycine 3201 with serine.
Molecular consequence: missense variant.
Genome position (GRCh38, 1-based): chr2:209,994,157, G>A. VCF-style: chr2-209994157-G-A. GRCh37 (hg19) VCF-style: chr2-210858881-G-A.
Other names: c.9403G>A, p.Gly3135Ser (NM_032504.2); c.9331G>A, p.Gly3111Ser (NM_182587.4); c.9403G>A (NM_032504.1); short protein forms G3135S, G3111S, G3201S.
Identifiers: ClinVar variation 1980324 (VCV001980324.2), dbSNP rs779647138, ClinGen allele CA2083697.